The following is an entry in ClinVar:

NM_004977.3(KCNC3):c.2165G>A (p.Arg722Gln)

Gene: KCNC3 (potassium voltage-gated channel subfamily C member 3; minus strand). Cytogenetic location: 19q13.33.
Variant type: single nucleotide variant.
Coding change: c.2165G>A on transcript NM_004977.3 (MANE Select); coding-DNA position 2165, G replaced by A.
Protein change: p.Arg722Gln; replaces arginine 722 with glutamine.
Molecular consequence: missense variant. On other transcripts: non-coding transcript variant (1).
Genome position (GRCh38, 1-based): chr19:50,320,598, C>T on the plus strand (G>A on the coding strand, the complement: KCNC3 is on the minus strand). VCF-style: chr19-50320598-C-T. GRCh37 (hg19) VCF-style: chr19-50823855-C-T.
Other names: c.1937G>A, p.Arg646Gln (NM_001372305.1); short protein forms R646Q, R722Q.
Identifiers: ClinVar variation 1985024 (VCV001985024.4), dbSNP rs1256051209, ClinGen allele CA406968293.

ClinVar aggregate classification (germline): Uncertain significance (1 of 4 stars; one submission).

Allele frequency attached by ClinVar (database versions not stated): gnomAD 0.00002.
gnomAD v4.1: 11 of 1,611,254 alleles (0.00068%); highest among the groups gnomAD compares: African/African-American, 0.0013%; no homozygotes.

Submission:

Labcorp Genetics (formerly Invitae), Labcorp
Classification: Uncertain significance. Last evaluated: 2022-04-11. Review status: criteria provided, single submitter. Criteria: Invitae Variant Classification Sherloc (09022015). Collection method: clinical testing. Allele origin: germline.
Comment: This variant has not been reported in the literature in individuals affected with KCNC3-related conditions. In summary, the available evidence is currently insufficient to determine the role of this variant in disease. Therefore, it has been classified as a Variant of Uncertain Significance. Algorithms developed to predict the effect of missense changes on protein structure and function (SIFT, PolyPhen-2, Align-GVGD) all suggest that this variant is likely to be tolerated. This variant is present in population databases (no rsID available, gnomAD 0.002%). This sequence change replaces arginine, which is basic and polar, with glutamine, which is neutral and polar, at codon 722 of the KCNC3 protein (p.Arg722Gln).